The following is an entry in ClinVar:

ClinVar aggregate classification (germline): Uncertain significance (1 of 4 stars; one submission).

Conditions:
Inborn genetic diseases. Identifiers: MedGen C0950123, MeSH D030342.

gnomAD v4.1: 4 of 1,614,180 alleles (0.00025%); highest among the groups gnomAD compares: African/African-American, 0.0013%; no homozygotes.

Submission:

Ambry Genetics
Classification: Uncertain significance for Inborn genetic diseases. Last evaluated: 2025-10-08. Review status: criteria provided, single submitter. Criteria: Ambry Variant Classification Scheme 2023. Collection method: clinical testing. Allele origin: germline.
Comment: The c.505A>G (p.I169V) alteration is located in exon 6 (coding exon 5) of the NCAPD2 gene. This alteration results from a A to G substitution at nucleotide position 505, causing the isoleucine (I) at amino acid position 169 to be replaced by a valine (V). Based on data from gnomAD, the G allele has an overall frequency of 0.001% (2/251486) total alleles studied. The highest observed frequency was 0.012% (2/16256) of African alleles. Based on insufficient or conflicting evidence, the clinical significance of this alteration remains unclear.

NM_014865.4(NCAPD2):c.505A>G (p.Ile169Val)

Gene: NCAPD2 (non-SMC condensin I complex subunit D2; plus strand). Cytogenetic location: 12p13.31.
Variant type: single nucleotide variant.
Coding change: c.505A>G on transcript NM_014865.4 (MANE Select); coding-DNA position 505, A replaced by G.
Protein change: p.Ile169Val; replaces isoleucine 169 with valine.
Molecular consequence: missense variant.
Genome position (GRCh38, 1-based): chr12:6,511,170, A>G. VCF-style: chr12-6511170-A-G. GRCh37 (hg19) VCF-style: chr12-6620336-A-G.
Other names: short protein forms I169V.
Identifiers: ClinVar variation 4625870 (VCV004625870.1).